The following is an entry in ClinVar:

NM_001031689.3(PLAA):c.1723C>T (p.Leu575Phe)

Gene: PLAA (phospholipase A2 activating protein; minus strand). Cytogenetic location: 9p21.2.
Variant type: single nucleotide variant.
Coding change: c.1723C>T on transcript NM_001031689.3 (MANE Select); coding-DNA position 1723, C replaced by T.
Protein change: p.Leu575Phe; replaces leucine 575 with phenylalanine.
Molecular consequence: missense variant.
Genome position (GRCh38, 1-based): chr9:26,907,933, G>A on the plus strand (C>T on the coding strand, the complement: PLAA is on the minus strand). VCF-style: chr9-26907933-G-A. GRCh37 (hg19) VCF-style: chr9-26907931-G-A.
Other names: c.1654C>T, p.Leu552Phe (NM_001321546.2); short protein forms L552F, L575F.
Identifiers: ClinVar variation 1125190 (VCV001125190.14), dbSNP rs148248479, ClinGen allele CA5014237.

ClinVar aggregate classification (germline): Likely benign. Review status: criteria provided, multiple submitters, no conflicts (2 of 4 stars). 3 submissions from 3 submitters: Likely benign (3). Last evaluated 2026-02-01.

Allele frequency attached by ClinVar (database versions not stated): gnomAD 0.00063 and 0.00066; gnomAD exomes 0.00065 and 0.00067; ExAC 0.00070; ESP Exome Variant Server 0.00077.
gnomAD v4.1: 1,045 of 1,610,862 alleles (0.065%); highest among the groups gnomAD compares: Non-Finnish European, 0.077%; 2 homozygotes.

Submissions (3):

CeGaT Center for Human Genetics Tuebingen
Classification: Likely benign. Last evaluated: 2026-02-01. Review status: criteria provided, single submitter. Criteria: CeGaT Center For Human Genetics Tuebingen Variant Classification Criteria Version 2. Collection method: clinical testing. Allele origin: germline. Affected: yes. Observed: 1 variant allele.
Comment: PLAA: BP4

Labcorp Genetics (formerly Invitae), Labcorp
Classification: Likely benign. Last evaluated: 2026-01-13. Review status: criteria provided, single submitter. Criteria: Invitae Variant Classification Sherloc (09022015). Collection method: clinical testing. Allele origin: germline.

Blueprint Genetics
Classification: Likely benign. Last evaluated: 2024-10-15. Review status: criteria provided, single submitter. Criteria: ACMG Guidelines, 2015. Collection method: clinical testing. Allele origin: germline.